The following is an entry in ClinVar:

ClinVar aggregate classification (germline): Conflicting classifications of pathogenicity. Review status: criteria provided, conflicting classifications (1 of 4 stars). 10 submissions from 6 submitters: Uncertain significance (7); Benign (2); Likely benign (1). Last evaluated 2026-05-01.

Conditions:
Early-onset myopathy with fatal cardiomyopathy (CMYO5). Also called: Salih Myopathy; CONGENITAL MYOPATHY 5 WITH CARDIOMYOPATHY. Identifiers: Orphanet 289377, MedGen C2673677, MONDO:0012714, OMIM 611705. Disease mechanism: loss of function.
Myopathy, myofibrillar, 9, with early respiratory failure (MFM9). Also called: EDSTROM MYOPATHY; MYOPATHY, PROXIMAL, WITH EARLY RESPIRATORY MUSCLE INVOLVEMENT; Myopathy, distal, with early respiratory failure, autosomal dominant; Hereditary myopathy with early respiratory failure. Identifiers: Orphanet 178464, Orphanet 34521, MedGen C1863599, MONDO:0011362, OMIM 603689.
Autosomal recessive limb-girdle muscular dystrophy type 2J (LGMDR10). Also called: Limb-girdle muscular dystrophy, type 2J; MUSCULAR DYSTROPHY, LIMB-GIRDLE, AUTOSOMAL RECESSIVE 10. Identifiers: Orphanet 140922, MedGen C1837342, MONDO:0012127, OMIM 608807.
Tibial muscular dystrophy (TMD). Also called: Tibial muscular dystrophy, tardive; UDD MYOPATHY; Udd Distal Myopathy – Tibial Muscular Dystrophy. Identifiers: Orphanet 609, MedGen C1838244, MONDO:0010870, OMIM 600334.
Dilated cardiomyopathy 1G (CMD1G). Identifiers: Orphanet 154, MedGen C1858763, MONDO:0011400, OMIM 604145.

Allele frequency attached by ClinVar (database versions not stated): gnomAD exomes 0.00002 and 0.00005; ExAC 0.00003; gnomAD 0.00006; TOPMed 0.00011; 1000 Genomes Project 0.00060; 1000 Genomes Project 30x 0.00062.
gnomAD v4.1: 36 of 1,604,728 alleles (0.0022%); highest among the groups gnomAD compares: Admixed American, 0.058%; no homozygotes.

Submissions (10):

CeGaT Center for Human Genetics Tuebingen
Classification: Uncertain significance. Last evaluated: 2026-05-01. Review status: criteria provided, single submitter. Criteria: CeGaT Center For Human Genetics Tuebingen Variant Classification Criteria Version 2. Collection method: clinical testing. Allele origin: germline. Affected: yes. Observed: 1 variant allele.
Comment: TTN: PM2, BP4

Revvity Omics, Revvity
Classification: Uncertain significance. Last evaluated: 2024-07-03. Review status: criteria provided, single submitter. Criteria: ACMG Guidelines, 2015. Collection method: clinical testing. Allele origin: germline.

GeneDx
Classification: Likely benign. Last evaluated: 2018-11-29. Review status: criteria provided, single submitter. Criteria: GeneDx Variant Classification Process June 2021. Collection method: clinical testing. Allele origin: germline. Affected: yes.

Illumina Laboratory Services, Illumina
Classification: Benign for Tibial muscular dystrophy. Last evaluated: 2018-01-13. Review status: criteria provided, single submitter. Criteria: ICSL Variant Classification Criteria 13 December 2019. Collection method: clinical testing. Allele origin: germline.
Comment: This variant was observed in the ICSL laboratory as part of a predisposition screen in an ostensibly healthy population. It had not been previously curated by ICSL or reported in the Human Gene Mutation Database (HGMD: prior to June 1st, 2018), and was therefore a candidate for classification through an automated scoring system. Utilizing variant allele frequency, disease prevalence and penetrance estimates, and inheritance mode, an automated score was calculated to assess if this variant is too frequent to cause the disease. Based on the score and internal cut-off values, a variant classified as benign is not then subjected to further curation. The score for this variant resulted in a classification of benign for this disease.

Illumina Laboratory Services, Illumina
Classification: Benign for Myopathy, myofibrillar, 9, with early respiratory failure. Last evaluated: 2018-01-13. Review status: criteria provided, single submitter. Criteria: ICSL Variant Classification Criteria 13 December 2019. Collection method: clinical testing. Allele origin: germline.
Comment: the same text as in the submission from Illumina Laboratory Services, Illumina above.

Illumina Laboratory Services, Illumina
Classification: Uncertain significance for Early-onset myopathy with fatal cardiomyopathy. Last evaluated: 2018-01-13. Review status: criteria provided, single submitter. Criteria: ICSL Variant Classification Criteria 13 December 2019. Collection method: clinical testing. Allele origin: germline.

Illumina Laboratory Services, Illumina
Classification: Uncertain significance for Dilated cardiomyopathy 1G. Last evaluated: 2018-01-13. Review status: criteria provided, single submitter. Criteria: ICSL Variant Classification Criteria 13 December 2019. Collection method: clinical testing. Allele origin: germline.

Illumina Laboratory Services, Illumina
Classification: Uncertain significance for Autosomal recessive limb-girdle muscular dystrophy type 2J. Last evaluated: 2018-01-13. Review status: criteria provided, single submitter. Criteria: ICSL Variant Classification Criteria 13 December 2019. Collection method: clinical testing. Allele origin: germline.

Laboratory for Molecular Medicine, Mass General Brigham Personalized Medicine
Classification: Uncertain significance. Last evaluated: 2015-04-18. Review status: criteria provided, single submitter. Criteria: LMM Criteria. Collection method: clinical testing. Allele origin: germline. Observed: 1 variant allele.
Comment: The p.Lys7404Glu variant in TTN has not been previously reported in individuals with cardiomyopathy, but has been identified in 3/11516 Latino chromosomes by th e Exome Aggregation Consortium (ExAC; dbSNP rs18 8234466). Computational prediction tools and conservation analysis do not provid e strong support for or against an impact to the protein. In summary, the clinic al significance of the p.Lys7404Glu variant is uncertain.

Eurofins Ntd Llc (ga)
Classification: Uncertain significance. Last evaluated: 2014-10-27. Review status: criteria provided, single submitter. Criteria: EGL Classification Definitions 2015. Collection method: clinical testing. Allele origin: germline. Observed: 1 variant allele, 1 heterozygote.

NM_001267550.2(TTN):c.25942A>G (p.Lys8648Glu)

Gene: TTN (titin; minus strand). Cytogenetic location: 2q31.2.
Variant type: single nucleotide variant.
Coding change: c.25942A>G on transcript NM_001267550.2 (MANE Select); coding-DNA position 25942, A replaced by G.
Protein change: p.Lys8648Glu; replaces lysine 8648 with glutamic acid.
Molecular consequence: missense variant. On other transcripts: intron variant (3).
Genome position (GRCh38, 1-based): chr2:178,715,244, T>C on the plus strand (A>G on the coding strand, the complement: TTN is on the minus strand). VCF-style: chr2-178715244-T-C. GRCh37 (hg19) VCF-style: chr2-179579971-T-C.
Other names: c.22210A>G, p.Lys7404Glu (NM_133378.4); c.24991A>G, p.Lys8331Glu (NM_001256850.1); c.13282+22838A>G (NM_003319.4); c.13858+22838A>G (NM_133437.4); c.13657+22838A>G (NM_133432.3); short protein forms K8648E, K7404E, K8331E.
Identifiers: ClinVar variation 198970 (VCV000198970.20), dbSNP rs188234466, ClinGen allele CA247912.